The following is an entry in ClinVar:

ClinVar aggregate classification (germline): Uncertain significance. Review status: criteria provided, multiple submitters, no conflicts (2 of 4 stars). 2 submissions from 2 submitters: Uncertain significance (2). Last evaluated 2024-12-17.

Conditions:
Cohen syndrome (COH1). Also called: PEPPER SYNDROME; Cutis verticis gyrata, retinitis pigmentosa, and sensorineural deafness. Identifiers: Orphanet 193, MedGen C0265223, MONDO:0008999, OMIM 216550.
VPS13B-related disorder. Also called: VPS13B-related condition.

Allele frequency attached by ClinVar (database versions not stated): gnomAD exomes below 0.00001; gnomAD 0.00001; TOPMed 0.00001.
gnomAD v4.1: 2 of 1,613,602 alleles (0.00012%); highest among the groups gnomAD compares: African/African-American, 0.0027%; no homozygotes.

Submissions (2):

PreventionGenetics, part of Exact Sciences
Classification: Uncertain significance for VPS13B-related condition. Last evaluated: 2024-12-17. Review status: criteria provided, single submitter. Criteria: ACMG Guidelines, 2015. Collection method: clinical testing. Allele origin: germline.
Comment: The VPS13B c.2498A>G variant is predicted to result in the amino acid substitution p.Glu833Gly. To our knowledge, this variant has not been reported in the literature or in a large population database (gnomAD), indicating this variant is rare. At this time, the clinical significance of this variant is uncertain due to the absence of conclusive functional and genetic evidence.

Labcorp Genetics (formerly Invitae), Labcorp
Classification: Uncertain significance for Cohen syndrome. Last evaluated: 2021-09-01. Review status: criteria provided, single submitter. Criteria: Invitae Variant Classification Sherloc (09022015). Collection method: clinical testing. Allele origin: germline.

NM_152564.5(VPS13B):c.2498A>G (p.Glu833Gly)

Gene: VPS13B (vacuolar protein sorting 13 homolog B; plus strand). Cytogenetic location: 8q22.2.
Variant type: single nucleotide variant.
Coding change: c.2498A>G on transcript NM_152564.5 (MANE Select); coding-DNA position 2498, A replaced by G.
Protein change: p.Glu833Gly; replaces glutamic acid 833 with glycine.
Molecular consequence: missense variant.
Genome position (GRCh38, 1-based): chr8:99,193,040, A>G. VCF-style: chr8-99193040-A-G. GRCh37 (hg19) VCF-style: chr8-100205268-A-G.
Other names: c.2498A>G, p.Glu833Gly (NM_015243.3, NM_017890.5); c.2498A>G (NM_152564.4); short protein forms E833G.
Identifiers: ClinVar variation 1439040 (VCV001439040.4), dbSNP rs886841517, ClinGen allele CA182907942.
Genomic context (GRCh38, chr8:99,193,040, plus strand): 5'-AAAGTTGGTCTCATCTTGGAAATGTCAGCTCTTCCGCAGTGATTGAAGCTTTGATAAATG[A>G]AATCTTCCTAAGTATAGGTAAGAGCACAGTCTTTTTGATAACTATATGGAAAATTTGTGT-3'
Protein context (NP_689777.3, residues 823-843): SSAVIEALIN[Glu833Gly]IFLSIGVKSK